The following is an entry in ClinVar:

NM_014363.6(SACS):c.5971G>A (p.Val1991Ile)

Gene: SACS (sacsin molecular chaperone; minus strand). Cytogenetic location: 13q12.12.
Variant type: single nucleotide variant.
Coding change: c.5971G>A on transcript NM_014363.6 (MANE Select); coding-DNA position 5971, G replaced by A.
Protein change: p.Val1991Ile; replaces valine 1991 with isoleucine.
Molecular consequence: missense variant.
Genome position (GRCh38, 1-based): chr13:23,337,905, C>T on the plus strand (G>A on the coding strand, the complement: SACS is on the minus strand). VCF-style: chr13-23337905-C-T. GRCh37 (hg19) VCF-style: chr13-23912044-C-T.
Other names: c.5530G>A, p.Val1844Ile (NM_001278055.2); short protein forms V1844I, V1991I.
Identifiers: ClinVar variation 1143578 (VCV001143578.16), dbSNP rs191995849, ClinGen allele CA6911161.
Genomic context (GRCh38, chr13:23,337,905, plus strand): 5'-TCTTGAAGGCTGCTGAACCAACATCTCTTCTTTTAAGTATAGAGTCATCTAGAAATCTTA[C>T]GTTCTTCATGGAAACCCAAGTAGATCCATCAGAGAAGACTTTGGTCAGTTCTTTCCCTTT-3'
Protein context (NP_055178.3, residues 1981-2001): DGSTWVSMKN[Val1991Ile]RFLDDSILKR

ClinVar aggregate classification (germline): Conflicting classifications of pathogenicity. Review status: criteria provided, conflicting classifications (1 of 4 stars). 3 submissions from 3 submitters: Uncertain significance (1); Likely benign (2). Last evaluated 2025-09-22.

Conditions:
Spastic paraplegia. Identifiers: MedGen C0037772, HP:0001258.
Charlevoix-Saguenay spastic ataxia (SACS). Also called: SPASTIC ATAXIA 6, AUTOSOMAL RECESSIVE; AUTOSOMAL RECESSIVE SPASTIC ATAXIA OF CHARLEVOIX-SAGUENAY; Spastic ataxia of Charlevoix-Saguenay. Identifiers: Orphanet 98, MedGen C1849140, MONDO:0010041, OMIM 270550.

Allele frequency attached by ClinVar (database versions not stated): gnomAD exomes 0.00002 and 0.00010; gnomAD 0.00004 and 0.00005; TOPMed 0.00005; ExAC 0.00006; 1000 Genomes Project 0.00040; 1000 Genomes Project 30x 0.00062.
gnomAD v4.1: 42 of 1,613,928 alleles (0.0026%); highest among the groups gnomAD compares: Admixed American, 0.047%; 1 homozygote.

Submissions (3):

Labcorp Genetics (formerly Invitae), Labcorp
Classification: Likely benign for Spastic paraplegia. Last evaluated: 2025-09-22. Review status: criteria provided, single submitter. Criteria: Invitae Variant Classification Sherloc (09022015). Collection method: clinical testing. Allele origin: germline.

Mayo Clinic Laboratories, Mayo Clinic
Classification: Uncertain significance. Last evaluated: 2025-07-29. Review status: criteria provided, single submitter. Criteria: ACMG Guidelines, 2015. Collection method: clinical testing. Allele origin: germline. Observed: 2 variant alleles.
Comment: PM2_supporting

Genome-Nilou Lab
Classification: Likely benign for Charlevoix-Saguenay spastic ataxia. Last evaluated: 2021-09-05. Review status: criteria provided, single submitter. Criteria: ACMG Guidelines, 2015. Collection method: clinical testing. Allele origin: germline. Affected: no.